The following is an entry in ClinVar:

NM_006231.4(POLE):c.2720A>G (p.Asn907Ser)

Gene: POLE (DNA polymerase epsilon, catalytic subunit; minus strand). Cytogenetic location: 12q24.33.
Variant type: single nucleotide variant.
Coding change: c.2720A>G on transcript NM_006231.4 (MANE Select); coding-DNA position 2720, A replaced by G.
Protein change: p.Asn907Ser; replaces asparagine 907 with serine.
Molecular consequence: missense variant.
Genome position (GRCh38, 1-based): chr12:132,661,671, T>C on the plus strand (A>G on the coding strand, the complement: POLE is on the minus strand). VCF-style: chr12-132661671-T-C. GRCh37 (hg19) VCF-style: chr12-133238257-T-C.
Other names: short protein forms N907S.
Identifiers: ClinVar variation 665452 (VCV000665452.10), dbSNP rs1593777633, ClinGen allele CA387394038.
Genomic context (GRCh38, chr12:132,661,671, plus strand): 5'-TTCTCTGAGCGGGTGACGTAGGTGAGTGAGGACGGCTCAGCCAGCTCCTGGTACTGGTCA[T>C]TGGTGAAGCCTTCCTGAGAAACAAGAGTGAAGAGGGGGCAGCTTCACTCATGATGGCCCA-3'
Protein context (NP_006222.2, residues 897-917): LNIMVKEGFT[Asn907Ser]DQYQELAEPS

ClinVar aggregate classification (germline): Conflicting classifications of pathogenicity. Review status: criteria provided, conflicting classifications (1 of 4 stars). 3 submissions from 3 submitters: Uncertain significance (2); Likely benign (1). Last evaluated 2025-08-25.

Conditions:
Hereditary cancer-predisposing syndrome. Also called: Tumor predisposition; Hereditary neoplastic syndrome; Neoplastic Syndromes, Hereditary; Hereditary Cancer Syndrome. Identifiers: Orphanet 140162, MedGen C0027672, MeSH D009386, MONDO:0015356.
Familial colorectal cancer type X. Identifiers: Orphanet 440437, MedGen C3896578, MONDO:0018604.

Allele frequency attached by ClinVar (database versions not stated): gnomAD exomes 0.00001.
gnomAD v4.1: 11 of 1,614,024 alleles (0.00068%); highest among the groups gnomAD compares: Non-Finnish European, 0.00085%; no homozygotes.

Submissions (3):

Labcorp Genetics (formerly Invitae), Labcorp
Classification: Uncertain significance. Last evaluated: 2025-08-25. Review status: criteria provided, single submitter. Criteria: Invitae Variant Classification Sherloc (09022015). Collection method: clinical testing. Allele origin: germline.
Comment: This sequence change replaces asparagine, which is neutral and polar, with serine, which is neutral and polar, at codon 907 of the POLE protein (p.Asn907Ser). This variant is not present in population databases (gnomAD no frequency). This variant has not been reported in the literature in individuals affected with POLE-related conditions. ClinVar contains an entry for this variant (Variation ID: 665452). Invitae Evidence Modeling of protein sequence and biophysical properties (such as structural, functional, and spatial information, amino acid conservation, physicochemical variation, residue mobility, and thermodynamic stability) indicates that this missense variant is expected to disrupt POLE protein function with a positive predictive value of 80%. In summary, the available evidence is currently insufficient to determine the role of this variant in disease. Therefore, it has been classified as a Variant of Uncertain Significance.

Ambry Genetics
Classification: Likely benign for Hereditary cancer-predisposing syndrome. Last evaluated: 2025-01-27. Review status: criteria provided, single submitter. Criteria: Ambry Variant Classification Scheme 2023. Collection method: clinical testing. Allele origin: germline.

Department of Pathology and Laboratory Medicine, Sinai Health System
Classification: Uncertain significance for Familial colorectal cancer type X. Last evaluated: 2024-05-21. Review status: criteria provided, single submitter. Criteria: ACMG Guidelines, 2015. Collection method: clinical testing. Allele origin: germline. Affected: yes.